The following is an entry in ClinVar:

ClinVar aggregate classification (germline): Benign/Likely benign. Review status: criteria provided, multiple submitters, no conflicts (2 of 4 stars). 2 submissions from 2 submitters: Benign (1); Likely benign (1). Last evaluated 2026-05-01.

Allele frequency attached by ClinVar (database versions not stated): gnomAD 0.00007; TOPMed 0.00024; ExAC 0.00028; gnomAD exomes 0.00043.
gnomAD v4.1: 130 of 1,605,822 alleles (0.0081%); highest among the groups gnomAD compares: Admixed American, 0.22%; no homozygotes.

Submissions (2):

CeGaT Center for Human Genetics Tuebingen
Classification: Likely benign. Last evaluated: 2026-05-01. Review status: criteria provided, single submitter. Criteria: CeGaT Center For Human Genetics Tuebingen Variant Classification Criteria Version 2. Collection method: clinical testing. Allele origin: germline. Affected: yes. Observed: 1 variant allele.
Comment: LIN28B: BP4, BP7

Labcorp Genetics (formerly Invitae), Labcorp
Classification: Benign. Last evaluated: 2018-06-26. Review status: criteria provided, single submitter. Criteria: Invitae Variant Classification Sherloc (09022015). Collection method: clinical testing. Allele origin: germline.

NM_001004317.4(LIN28B):c.342C>T (p.Pro114=)

Gene: LIN28B (lin-28 RNA binding posttranscriptional regulator B; plus strand). Cytogenetic location: 6q21.
Variant type: single nucleotide variant.
Coding change: c.342C>T on transcript NM_001004317.4 (MANE Select); coding-DNA position 342, C replaced by T.
Protein change: p.Pro114=; no amino-acid change (proline 114 retained).
Molecular consequence: synonymous variant.
Genome position (GRCh38, 1-based): chr6:105,026,441, C>T. VCF-style: chr6-105026441-C-T. GRCh37 (hg19) VCF-style: chr6-105474316-C-T.
Identifiers: ClinVar variation 736009 (VCV000736009.5), dbSNP rs770962930, ClinGen allele CA3940794.